The following is an entry in ClinVar:

NM_000059.4(BRCA2):c.5059C>G (p.Leu1687Val)

Gene: BRCA2 (BRCA2 DNA repair associated; plus strand). Cytogenetic location: 13q13.1.
Variant type: single nucleotide variant.
Coding change: c.5059C>G on transcript NM_000059.4 (MANE Select); coding-DNA position 5059, C replaced by G.
Protein change: p.Leu1687Val; replaces leucine 1687 with valine.
Molecular consequence: missense variant.
Genome position (GRCh38, 1-based): chr13:32,339,414, C>G. VCF-style: chr13-32339414-C-G. GRCh37 (hg19) VCF-style: chr13-32913551-C-G.
Other names: short protein forms L1687V.
Identifiers: ClinVar variation 1363189 (VCV001363189.11), dbSNP rs1408726129, ClinGen allele CA387784036.

ClinVar aggregate classification (germline): Conflicting classifications of pathogenicity. Review status: criteria provided, conflicting classifications (1 of 4 stars). 3 submissions from 3 submitters: Uncertain significance (2); Likely benign (1). Last evaluated 2023-03-23.

Conditions:
Hereditary cancer-predisposing syndrome. Also called: Neoplastic Syndromes, Hereditary; Tumor predisposition; Hereditary neoplastic syndrome; Hereditary Cancer Syndrome. Identifiers: Orphanet 140162, MedGen C0027672, MeSH D009386, MONDO:0015356.
Hereditary breast ovarian cancer syndrome. Also called: Hereditary breast and ovarian cancer; Hereditary breast and/or ovarian cancer syndrome; BRCA1- and BRCA2-Associated Hereditary Breast and Ovarian Cancer; Hereditary breast and ovarian cancer syndrome; Hereditary breast and ovarian cancer syndrome (HBOC); Breast and ovarian cancer. Identifiers: Orphanet 145, MedGen C0677776, MeSH D061325, MONDO:0003582. Disease mechanism: loss of function.

Allele frequency attached by ClinVar (database versions not stated): gnomAD exomes below 0.00001.
gnomAD v4.1: 1 of 1,593,526 alleles (0.000063%); highest among the groups gnomAD compares: South Asian, 0.0012%; no homozygotes.

Submissions (3):

University of Washington Department of Laboratory Medicine, University of Washington
Classification: Likely benign for Hereditary cancer-predisposing syndrome. Last evaluated: 2023-03-23. Review status: criteria provided, single submitter. Criteria: Dines et al. (Genet Med. 2020). Collection method: curation. Allele origin: germline.
Comment: Missense variant in a coldspot region where missense variants are very unlikely to be pathogenic (PMID:31911673).

BRCA2 exon 11 coldspot. Reclassification based on statistical prior probability.

Labcorp Genetics (formerly Invitae), Labcorp
Classification: Uncertain significance for Hereditary breast ovarian cancer syndrome. Last evaluated: 2022-12-10. Review status: criteria provided, single submitter. Criteria: Invitae Variant Classification Sherloc (09022015). Collection method: clinical testing. Allele origin: germline.
Comment: This sequence change replaces leucine, which is neutral and non-polar, with valine, which is neutral and non-polar, at codon 1687 of the BRCA2 protein (p.Leu1687Val). In summary, the available evidence is currently insufficient to determine the role of this variant in disease. Therefore, it has been classified as a Variant of Uncertain Significance. Advanced modeling of protein sequence and biophysical properties (such as structural, functional, and spatial information, amino acid conservation, physicochemical variation, residue mobility, and thermodynamic stability) performed at Invitae indicates that this missense variant is not expected to disrupt BRCA2 protein function. ClinVar contains an entry for this variant (Variation ID: 1363189). This variant has not been reported in the literature in individuals affected with BRCA2-related conditions. This variant is not present in population databases (gnomAD no frequency).

Ambry Genetics
Classification: Uncertain significance for Hereditary cancer-predisposing syndrome. Last evaluated: 2020-11-24. Review status: criteria provided, single submitter. Criteria: Ambry Variant Classification Scheme 2023. Collection method: clinical testing. Allele origin: germline.
Comment: The p.L1687V variant (also known as c.5059C>G), located in coding exon 10 of the BRCA2 gene, results from a C to G substitution at nucleotide position 5059. The leucine at codon 1687 is replaced by valine, an amino acid with highly similar properties. This amino acid position is not well conserved in available vertebrate species. In addition, this alteration is predicted to be tolerated by in silico analysis. Since supporting evidence is limited at this time, the clinical significance of this alteration remains unclear.